The following is an entry in ClinVar:

ClinVar aggregate classification (germline): Conflicting classifications of pathogenicity. Review status: criteria provided, conflicting classifications (1 of 4 stars). 4 submissions from 4 submitters: Likely pathogenic (1); Uncertain significance (3). Last evaluated 2025-12-16.

Conditions:
Familial juvenile hyperuricemic nephropathy type 1 (ADTKD1). Also called: UMOD-Associated Kidney Disease; Uromodulin-associated kidney disease; Glomerulocystic kidney disease with hyperuricemia and isosthenuria; Medullary cystic kidney disease 2; Autosomal Dominant Tubulointerstitial Kidney Disease – UMOD. Identifiers: Orphanet 209886, Orphanet 34149, Orphanet 88950, MedGen C4551496, MONDO:0008073, OMIM 162000.

Allele frequency attached by ClinVar (database versions not stated): gnomAD exomes 0.00001; ExAC 0.00003; TOPMed 0.00003.
gnomAD v4.1: 16 of 1,613,954 alleles (0.00099%); highest among the groups gnomAD compares: Admixed American, 0.0033%; no homozygotes.

Submissions (4):

Labcorp Genetics (formerly Invitae), Labcorp
Classification: Uncertain significance. Last evaluated: 2025-12-16. Review status: criteria provided, single submitter. Criteria: Invitae Variant Classification Sherloc (09022015). Collection method: clinical testing. Allele origin: germline.
Comment: This sequence change replaces glycine, which is neutral and non-polar, with serine, which is neutral and polar, at codon 58 of the UMOD protein (p.Gly58Ser). This variant is present in population databases (rs748228253, gnomAD 0.007%). This missense change has been observed in individual(s) with clinical features of UMOD-related conditions (PMID: 29784615). ClinVar contains an entry for this variant (Variation ID: 1709460). Invitae Evidence Modeling of protein sequence and biophysical properties (such as structural, functional, and spatial information, amino acid conservation, physicochemical variation, residue mobility, and thermodynamic stability) indicates that this missense variant is expected to disrupt UMOD protein function with a positive predictive value of 95%. In summary, the available evidence is currently insufficient to determine the role of this variant in disease. Therefore, it has been classified as a Variant of Uncertain Significance.

Fulgent Genetics
Classification: Uncertain significance for Familial juvenile hyperuricemic nephropathy type 1. Last evaluated: 2024-06-18. Review status: criteria provided, single submitter. Criteria: ACMG Guidelines, 2015. Collection method: clinical testing. Allele origin: germline.

Nephrology Department, Antalya Training and Research Hospital
Classification: Likely pathogenic for Familial juvenile hyperuricemic nephropathy type 1. Last evaluated: 2024-01-01. Review status: criteria provided, single submitter. Criteria: ACMG Guidelines, 2015. Collection method: clinical testing. Allele origin: germline. Inheritance: Autosomal dominant inheritance. Affected: yes. Observed: 32 variant alleles, 32 heterozygotes, 32 mosaic individuals. Clinical features observed: Chronic kidney disease (HP:0012622), Stage 5 chronic kidney disease (HP:0003774).
Comment: The c.172G>A (p.Gly58Ser) variant in the UMOD gene was identified in 32 individuals from three unrelated Turkish families affected by chronic kidney disease (CKD) of unknown etiology. Of these, 14 individuals were clinically diagnosed with CKD, while the remaining 18 were asymptomatic carriers. Segregation of the variant with disease was observed across multiple generations. Notably, another nucleotide change at the same codon (c.172G>T; p.Gly58Ser) has been previously reported in the literature as pathogenic, providing strong evidence for the impact of this amino acid substitution. The variant is located in a highly conserved cysteine-rich domain in exon 3, where pathogenic mutations in UMOD are known to cluster. In silico prediction tools such as MutationTaster and PolyPhen-2 classify this variant as deleterious. The variant is absent from large population databases such as gnomAD. In summary, this variant meets criteria to be classified as likely pathogenic, based on strong amino acid-level evidence (PS1), location in a mutational hotspot (PM1), absence from controls (PM2), segregation with disease (PP1), and multiple computational predictions supporting a deleterious effect (PP3).

MGZ Medical Genetics Center
Classification: Uncertain significance for Familial juvenile hyperuricemic nephropathy type 1. Last evaluated: 2022-06-03. Review status: criteria provided, single submitter. Criteria: ACMG Guidelines, 2015. Collection method: clinical testing. Allele origin: germline. Affected: yes. Observed: 1 variant allele.
Comment: ACMG criteria applied: PM1, PP3

Literature cited by the submitters: PubMed 29784615 (cited by Labcorp Genetics (formerly Invitae), Labcorp); PubMed 12414825 (cited by Nephrology Department, Antalya Training and Research Hospital); PubMed 33022251 (cited by Nephrology Department, Antalya Training and Research Hospital); PubMed 14718385 (cited by Nephrology Department, Antalya Training and Research Hospital); PubMed 28216380 (cited by Nephrology Department, Antalya Training and Research Hospital); PubMed 32257384 (cited by Nephrology Department, Antalya Training and Research Hospital).

NM_003361.4(UMOD):c.172G>A (p.Gly58Ser)

Gene: UMOD (uromodulin; minus strand). Cytogenetic location: 16p12.3.
Variant type: single nucleotide variant.
Coding change: c.172G>A on transcript NM_003361.4 (MANE Select); coding-DNA position 172, G replaced by A.
Protein change: p.Gly58Ser; replaces glycine 58 with serine.
Molecular consequence: missense variant. On other transcripts: non-coding transcript variant (1).
Genome position (GRCh38, 1-based): chr16:20,349,129, C>T on the plus strand (G>A on the coding strand, the complement: UMOD is on the minus strand). VCF-style: chr16-20349129-C-T. GRCh37 (hg19) VCF-style: chr16-20360451-C-T.
Other names: c.172G>A, p.Gly58Ser (NM_001008389.3, NM_001378232.1, NM_001378233.1 and 3 more transcripts); c.271G>A, p.Gly91Ser (NM_001278614.2); short protein forms G58S, G91S.
Identifiers: ClinVar variation 1709460 (VCV001709460.6), dbSNP rs748228253, ClinGen allele CA7939483.